The following is an entry in ClinVar:

NM_001458.5(FLNC):c.3465_3467delinsAAA (p.Ser1156Asn)

Gene: FLNC (filamin C; plus strand). Cytogenetic location: 7q32.1.
Variant type: Indel.
Coding change: c.3465_3467delinsAAA on transcript NM_001458.5 (MANE Select); coding-DNA positions 3465 to 3467, GAG replaced by AAA.
Protein change: p.Ser1156Asn; replaces serine 1156 with asparagine.
Molecular consequence: missense variant.
Genome position (GRCh38, 1-based): chr7:128,844,930-128,844,932, GAG replaced by AAA. VCF-style: chr7-128844930-GAG-AAA. GRCh37 (hg19) VCF-style: chr7-128484984-GAG-AAA.
Other names: c.3465_3467delinsAAA, p.Ser1156Asn (NM_001127487.2); short protein forms S1156N.
Identifiers: ClinVar variation 2562113 (VCV002562113.2), dbSNP rs2536637747, ClinGen allele CA2580614265.

ClinVar aggregate classification (germline): Uncertain significance (1 of 4 stars; one submission).

Conditions:
Cardiovascular phenotype. Identifiers: MedGen CN230736.

Submission:

Ambry Genetics
Classification: Uncertain significance for Cardiovascular phenotype. Last evaluated: 2023-05-26. Review status: criteria provided, single submitter. Criteria: Ambry Variant Classification Scheme 2023. Collection method: clinical testing. Allele origin: germline.
Comment: The c.3465_3467delGAGinsAAA variant (also known as p.S1156N), located in coding exon 21 of the FLNC gene, results from an in-frame deletion of GAG and insertion of AAA at nucleotide positions 3465 to 3467. This results in the substitution of the serine residue for an asparagine residue at codon 1156, an amino acid with highly similar properties. This amino acid position is well conserved in available vertebrate species. In addition, this alteration is predicted to be neutral by in silico analysis (Choi Y et al. PLoS ONE. 2012; 7(10):e46688). Since supporting evidence is limited at this time, the clinical significance of this alteration remains unclear.